The following is an entry in ClinVar:

ClinVar aggregate classification (germline): Uncertain significance (1 of 4 stars; one submission).

Submission:

GeneDx
Classification: Uncertain significance. Last evaluated: 2017-05-22. Review status: criteria provided, single submitter. Criteria: GeneDx Variant Classification (06012015). Collection method: clinical testing. Allele origin: germline. Affected: yes.
Comment: The c.887delG variant in the LHX3 gene has not been reported previously as a pathogenic variant nor as a benign variant, to our knowledge. The c.887delG variant causes a frameshift starting with codon Glycine 296, changes this amino acid to an Alanine residue, and creates a premature Stop codon at position 68 of the new reading frame, denoted p.Gly296AlafsX68. This variant is predicted to cause loss of normal protein function through protein truncation. The c.887delG variant is not observed in large population cohorts (Lek et al., 2016; 1000 Genomes Consortium et al., 2015; Exome Variant Server). We interpret c.887delG as a variant of uncertain significance.

NM_178138.6(LHX3):c.872del (p.Gly291fs)

Gene: LHX3 (LIM homeobox 3; minus strand). Cytogenetic location: 9q34.3.
Variant type: Deletion.
Coding change: c.872del on transcript NM_178138.6 (MANE Select); coding-DNA position 872, one base deleted (G; older notation c.872delG).
Protein change: p.Gly291fs; shifts the reading frame from glycine 291.
Molecular consequence: frameshift variant.
Genome position (GRCh38, 1-based): chr9:136,197,647, C deleted on the plus strand (G on the coding strand, the reverse complement: LHX3 is on the minus strand); the first of 3 consecutive C bases (chr9:136,197,647-136,197,649); deleting any one gives the same sequence. VCF-style (leftmost placement, unchanged base first): chr9-136197646-GC-G. GRCh37 (hg19) VCF-style: chr9-139089492-GC-G.
Other names: c.839del, p.Gly280fs (NM_001363746.1); c.887del, p.Gly296fs (NM_014564.5); short protein forms G280fs, G291fs, G296fs.
Identifiers: ClinVar variation 421104 (VCV000421104.2), dbSNP rs1064794911, ClinGen allele CA16618799.